The following is an entry in ClinVar:

NM_006979.3(SLC39A7):c.5C>T (p.Ala2Val)

Gene: SLC39A7 (solute carrier family 39 member 7; plus strand). Cytogenetic location: 6p21.32.
Variant type: single nucleotide variant.
Coding change: c.5C>T on transcript NM_006979.3 (MANE Select); coding-DNA position 5, C replaced by T.
Protein change: p.Ala2Val; replaces alanine 2 with valine.
Molecular consequence: missense variant. On other transcripts: 5 prime UTR variant (1).
Genome position (GRCh38, 1-based): chr6:33,201,250, C>T. VCF-style: chr6-33201250-C-T. GRCh37 (hg19) VCF-style: chr6-33169027-C-T.
Other names: c.5C>T, p.Ala2Val (NM_001077516.2); c.-87C>T (NM_001288777.2); short protein forms A2V.
Identifiers: ClinVar variation 1043440 (VCV001043440.8), dbSNP rs1774517817, ClinGen allele CA363632994.
Genomic context (GRCh38, chr6:33,201,250, plus strand): 5'-GTAGGTATAGAGTTGAGTCAAGTGGAGTCACTGCCTCTGTCCCTCTGGTCAGCGTGATGG[C>T]CAGAGGCCTGGGGGCCCCCCACTGGGTGGCCGTGGGACTGCTGACCTGGGCGACCTTGGG-3'
Protein context (NP_008910.2, residues 1-12): M[Ala2Val]RGLGAPHWVA

ClinVar aggregate classification (germline): Uncertain significance (1 of 4 stars; one submission).

Submission:

Labcorp Genetics (formerly Invitae), Labcorp
Classification: Uncertain significance. Last evaluated: 2020-10-19. Review status: criteria provided, single submitter. Criteria: Invitae Variant Classification Sherloc (09022015). Collection method: clinical testing. Allele origin: germline.
Comment: This sequence change replaces alanine with valine at codon 2 of the SLC39A7 protein (p.Ala2Val). The alanine residue is weakly conserved and there is a small physicochemical difference between alanine and valine. This variant is not present in population databases (ExAC no frequency). This variant has not been reported in the literature in individuals with SLC39A7-related conditions. Algorithms developed to predict the effect of missense changes on protein structure and function are either unavailable or do not agree on the potential impact of this missense change (SIFT: "Tolerated"; PolyPhen-2: "Not Available"; Align-GVGD: "Class C0"). Algorithms developed to predict the effect of sequence changes on RNA splicing suggest that this variant may create or strengthen a splice site, but this prediction has not been confirmed by published transcriptional studies. In summary, the available evidence is currently insufficient to determine the role of this variant in disease. Therefore, it has been classified as a Variant of Uncertain Significance.